The following is an entry in ClinVar:

NM_000179.3(MSH6):c.2131C>T (p.Pro711Ser)

Gene: MSH6 (mutS homolog 6; plus strand). Cytogenetic location: 2p16.3.
Variant type: single nucleotide variant.
Coding change: c.2131C>T on transcript NM_000179.3 (MANE Select); coding-DNA position 2131, C replaced by T.
Protein change: p.Pro711Ser; replaces proline 711 with serine.
Molecular consequence: missense variant.
Genome position (GRCh38, 1-based): chr2:47,800,114, C>T. VCF-style: chr2-47800114-C-T. GRCh37 (hg19) VCF-style: chr2-48027253-C-T.
Other names: c.1741C>T, p.Pro581Ser (NM_001281492.2); c.1225C>T, p.Pro409Ser (NM_001281493.2, NM_001281494.2); short protein forms P711S, P409S, P581S.
Identifiers: ClinVar variation 237152 (VCV000237152.19), dbSNP rs878853714, ClinGen allele CA10582059.

ClinVar aggregate classification (germline): Uncertain significance. Review status: criteria provided, multiple submitters, no conflicts (2 of 4 stars). 4 submissions from 4 submitters: Uncertain significance (4). Last evaluated 2025-03-05.

Conditions:
Hereditary nonpolyposis colorectal neoplasms. Identifiers: MedGen C0009405, MeSH D003123.
Hereditary cancer-predisposing syndrome. Also called: Hereditary neoplastic syndrome; Hereditary Cancer Syndrome; Neoplastic Syndromes, Hereditary; Tumor predisposition. Identifiers: Orphanet 140162, MedGen C0027672, MeSH D009386, MONDO:0015356.

Submissions (4):

Institute for Biomarker Research, Medical Diagnostic Laboratories, L.L.C.
Classification: Uncertain significance for Hereditary cancer-predisposing syndrome. Last evaluated: 2025-03-05. Review status: criteria provided, single submitter. Criteria: ACMG Guidelines, 2015. Collection method: clinical testing. Allele origin: germline.
Comment: The missense variant NM_000179.3(MSH6):c.2131C>T (p.Pro711Ser) has not been reported previously as a pathogenic variant nor as a benign variant, to our knowledge. The p.Pro711Ser missense variant is predicted to be damaging by both SIFT and PolyPhen2. The proline residue at codon 711 of MSH6 is conserved in all mammalian species. The nucleotide c.2131 in MSH6 is predicted conserved by GERP++ and PhyloP across 100 vertebrates. For these reasons, this variant has been classified as Uncertain Significance.

Labcorp Genetics (formerly Invitae), Labcorp
Classification: Uncertain significance for Hereditary nonpolyposis colorectal neoplasms. Last evaluated: 2024-08-19. Review status: criteria provided, single submitter. Criteria: Invitae Variant Classification Sherloc (09022015). Collection method: clinical testing. Allele origin: germline.
Comment: This sequence change replaces proline, which is neutral and non-polar, with serine, which is neutral and polar, at codon 711 of the MSH6 protein (p.Pro711Ser). This variant is not present in population databases (gnomAD no frequency). This variant has not been reported in the literature in individuals affected with MSH6-related conditions. ClinVar contains an entry for this variant (Variation ID: 237152). Invitae Evidence Modeling of protein sequence and biophysical properties (such as structural, functional, and spatial information, amino acid conservation, physicochemical variation, residue mobility, and thermodynamic stability) has been performed for this missense variant. However, the output from this modeling did not meet the statistical confidence thresholds required to predict the impact of this variant on MSH6 protein function. In summary, the available evidence is currently insufficient to determine the role of this variant in disease. Therefore, it has been classified as a Variant of Uncertain Significance.

Ambry Genetics
Classification: Uncertain significance for Hereditary cancer-predisposing syndrome. Last evaluated: 2023-05-05. Review status: criteria provided, single submitter. Criteria: Ambry Variant Classification Scheme 2023. Collection method: clinical testing. Allele origin: germline.
Comment: The p.P711S variant (also known as c.2131C>T), located in coding exon 4 of the MSH6 gene, results from a C to T substitution at nucleotide position 2131. The proline at codon 711 is replaced by serine, an amino acid with similar properties. This amino acid position is highly conserved in available vertebrate species. In addition, this alteration is predicted to be deleterious by in silico analysis. Since supporting evidence is limited at this time, the clinical significance of this alteration remains unclear.

GeneDx
Classification: Uncertain significance. Last evaluated: 2021-07-06. Review status: criteria provided, single submitter. Criteria: GeneDx Variant Classification Process June 2021. Collection method: clinical testing. Allele origin: germline. Affected: yes.
Comment: Not observed at significant frequency in large population cohorts (Lek et al., 2016); In silico analysis, which includes protein predictors and evolutionary conservation, supports a deleterious effect; Has not been previously published as pathogenic or benign to our knowledge; This variant is associated with the following publications: (PMID: 27442865, 17531815, 21120944, 27535533)